The following is an entry in ClinVar:

ClinVar aggregate classification (germline): Likely pathogenic (1 of 4 stars; one submission).

Submission:

Labcorp Genetics (formerly Invitae), Labcorp
Classification: Likely pathogenic. Last evaluated: 2023-01-13. Review status: criteria provided, single submitter. Criteria: Invitae Variant Classification Sherloc (09022015). Collection method: clinical testing. Allele origin: germline.
Comment: This sequence change affects an acceptor splice site in intron 22 of the PNPT1 gene. It is expected to disrupt RNA splicing. Variants that disrupt the donor or acceptor splice site typically lead to a loss of protein function (PMID: 16199547), and loss-of-function variants in PNPT1 are known to be pathogenic (PMID: 28594066, 30244537). In summary, the currently available evidence indicates that the variant is pathogenic, but additional data are needed to prove that conclusively. Therefore, this variant has been classified as Likely Pathogenic. Algorithms developed to predict the effect of sequence changes on RNA splicing suggest that this variant may disrupt the consensus splice site. This variant has not been reported in the literature in individuals affected with PNPT1-related conditions. This variant is not present in population databases (gnomAD no frequency).

Literature cited by the submitters: PubMed 16199547; PubMed 28594066; PubMed 30244537.

NM_033109.5(PNPT1):c.1823-1G>A

Gene: PNPT1 (polyribonucleotide nucleotidyltransferase 1; minus strand). Cytogenetic location: 2p16.1.
Variant type: single nucleotide variant.
Coding change: c.1823-1G>A on transcript NM_033109.5 (MANE Select); the canonical splice acceptor site of the intron before coding-DNA position 1823, G replaced by A.
Molecular consequence: splice acceptor variant.
Genome position (GRCh38, 1-based): chr2:55,644,721, C>T on the plus strand (G>A on the coding strand, the complement: PNPT1 is on the minus strand). VCF-style: chr2-55644721-C-T. GRCh37 (hg19) VCF-style: chr2-55871856-C-T.
Identifiers: ClinVar variation 2828211 (VCV002828211.3), dbSNP rs2529481366, ClinGen allele CA346924666.
Genomic context (GRCh38, chr2:55,644,721, plus strand): 5'-AGTTATAGCCACCAGGTCCAACAAATTTTGCTCGTTTTGATAATGGAACCTGAACAGTTT[C>T]TGGAACGTAATACAGACAAATATATAAACAATTCAACTACATACATGAACCTAAAACATG-3'